The following is an entry in ClinVar:

NM_213720.3(CHCHD10):c.244C>T (p.Gln82Ter)

Gene: CHCHD10 (coiled-coil-helix-coiled-coil-helix domain containing 10; minus strand). Cytogenetic location: 22q11.23.
Variant type: single nucleotide variant.
Coding change: c.244C>T on transcript NM_213720.3 (MANE Select); coding-DNA position 244, C replaced by T.
Protein change: p.Gln82Ter; replaces glutamine 82 with a stop codon.
Molecular consequence: nonsense. On other transcripts: non-coding transcript variant (1).
Genome position (GRCh38, 1-based): chr22:23,767,391, G>A on the plus strand (C>T on the coding strand, the complement: CHCHD10 is on the minus strand). VCF-style: chr22-23767391-G-A. GRCh37 (hg19) VCF-style: chr22-24109578-G-A.
Other names: c.244C>T, p.Gln82Ter (NM_001301339.2); short protein forms Q82*.
Identifiers: ClinVar variation 2049662 (VCV002049662.2), dbSNP rs770043821, ClinGen allele CA10145285.

ClinVar aggregate classification (germline): Uncertain significance (1 of 4 stars; one submission).

Conditions:
Lower motor neuron syndrome with late-adult onset (SMAJ). Also called: Late-Onset Spinal Motor Neuronopathy (SMAJ); Spinal muscular atrophy, Jokela type. Identifiers: Orphanet 276435, MedGen C3554398, MONDO:0014025, OMIM 615048.
Frontotemporal dementia and/or amyotrophic lateral sclerosis 2. Also called: FTDALS2. Identifiers: Orphanet 275872, MedGen C4014648, MONDO:0014395, OMIM 615911.
Autosomal dominant mitochondrial myopathy with exercise intolerance (IMMD). Also called: Myopathy, isolated mitochondrial, autosomal dominant. Identifiers: Orphanet 457050, MedGen C4015513, MONDO:0014532, OMIM 616209.

Allele frequency attached by ClinVar (database versions not stated): gnomAD exomes 0.00001; ExAC 0.00004.

Submission:

Labcorp Genetics (formerly Invitae), Labcorp
Classification: Uncertain significance for Lower motor neuron syndrome with late-adult onset; Frontotemporal dementia and/or amyotrophic lateral sclerosis 2; Autosomal dominant mitochondrial myopathy with exercise intolerance. Last evaluated: 2022-04-26. Review status: criteria provided, single submitter. Criteria: Invitae Variant Classification Sherloc (09022015). Collection method: clinical testing. Allele origin: germline.
Comment: This sequence change creates a premature translational stop signal (p.Gln82*) in the CHCHD10 gene. It is expected to result in an absent or disrupted protein product. However, the current clinical and genetic evidence is not sufficient to establish whether loss-of-function variants in CHCHD10 cause disease. The frequency data for this variant in the population databases is considered unreliable, as metrics indicate poor data quality at this position in the gnomAD database. This premature translational stop signal has been observed in individual(s) with clinical features of CHCHD10-related conditions (PMID: 26152333). In summary, the available evidence is currently insufficient to determine the role of this variant in disease. Therefore, it has been classified as a Variant of Uncertain Significance.

Literature cited by the submitters: PubMed 26152333.